The following is an entry in ClinVar:

ClinVar aggregate classification (germline): Benign (0 of 4 stars; one submission).

Conditions:
MUC16-related disorder. Also called: MUC16-related condition.

Submission:

PreventionGenetics, part of Exact Sciences
Classification: Benign for MUC16-related condition. Last evaluated: 2019-10-01. Review status: no assertion criteria provided. Collection method: clinical testing. Allele origin: germline.
Comment: This variant is classified as benign based on ACMG/AMP sequence variant interpretation guidelines (Richards et al. 2015 PMID: 25741868, with internal and published modifications).

NM_001401501.2(MUC16):c.2094_2096dup (p.Ala700_Gly701insAla)

Gene: MUC16 (mucin 16, cell surface associated; minus strand). Cytogenetic location: 19p13.2.
Variant type: Duplication.
Coding change: c.2094_2096dup on transcript NM_001401501.2 (MANE Select); coding-DNA positions 2094 to 2096, 3 bases duplicated (GGC; older notation c.2094_2096dupGGC).
Protein change: p.Ala700_Gly701insAla.
Genome position (GRCh38, 1-based): chr19:8,979,163-8,979,165, GCC duplicated on the plus strand (GGC on the coding strand, the reverse complement: MUC16 is on the minus strand); duplicating any 3 consecutive bases within chr19:8,979,163-8,979,166 gives the same sequence; the c. name uses the placement nearest the transcript's 3' end. VCF-style (leftmost placement, unchanged base first): chr19-8979162-A-AGCC. GRCh37 (hg19) VCF-style: chr19-9089838-A-AGCC.
Other names: c.2520_2522dup, p.Ala842_Gly843insAla (NM_001414686.1); c.1974_1976dup, p.Ala660_Gly661insAla (NM_001414687.1, NM_024690.2); c.1974_1976dupGGC (NM_024690.2).
Identifiers: ClinVar variation 3050400 (VCV003050400.2), dbSNP rs145226180, ClinGen allele CA9173282.